The following is an entry in ClinVar:

NM_002184.4(IL6ST):c.535C>G (p.Pro179Ala)

Gene: IL6ST (interleukin 6 cytokine family signal transducer; minus strand). Cytogenetic location: 5q11.2.
Variant type: single nucleotide variant.
Coding change: c.535C>G on transcript NM_002184.4 (MANE Select); coding-DNA position 535, C replaced by G.
Protein change: p.Pro179Ala; replaces proline 179 with alanine.
Molecular consequence: missense variant. On other transcripts: 5 prime UTR variant (3), non-coding transcript variant (2).
Genome position (GRCh38, 1-based): chr5:55,964,269, G>C on the plus strand (C>G on the coding strand, the complement: IL6ST is on the minus strand). VCF-style: chr5-55964269-G-C. GRCh37 (hg19) VCF-style: chr5-55260097-G-C.
Other names: c.535C>G, p.Pro179Ala (NM_001190981.2, NM_001364275.2, NM_175767.3); c.325C>G, p.Pro109Ala (NM_001364276.2); c.-379C>G (NM_001364277.2, NM_001364279.2); c.-369C>G (NM_001364278.2); short protein forms P109A, P179A.
Identifiers: ClinVar variation 1361697 (VCV001361697.8), dbSNP rs746281716, ClinGen allele CA359767292.
Genomic context (GRCh38, chr5:55,964,269, plus strand): 5'-CTACCCAGACTTCAATGTTGACAAAATACACAGTAGAATAATCAACAGTGCATGAGGTGG[G>C]GGTGTCACGTTTTGCTTTGCAATCAGCAAACTTGTGTGTTGCCCTAAATACAAAAAATTG-3'
Protein context (NP_002175.2, residues 169-189): FADCKAKRDT[Pro179Ala]TSCTVDYSTV

ClinVar aggregate classification (germline): Uncertain significance (1 of 4 stars; one submission).

Submission:

Labcorp Genetics (formerly Invitae), Labcorp
Classification: Uncertain significance. Last evaluated: 2024-10-26. Review status: criteria provided, single submitter. Criteria: Invitae Variant Classification Sherloc (09022015). Collection method: clinical testing. Allele origin: germline.
Comment: This sequence change replaces proline, which is neutral and non-polar, with alanine, which is neutral and non-polar, at codon 179 of the IL6ST protein (p.Pro179Ala). This variant is not present in population databases (gnomAD no frequency). This variant has not been reported in the literature in individuals affected with IL6ST-related conditions. ClinVar contains an entry for this variant (Variation ID: 1361697). An algorithm developed to predict the effect of missense changes on protein structure and function (PolyPhen-2) suggests that this variant is likely to be tolerated. In summary, the available evidence is currently insufficient to determine the role of this variant in disease. Therefore, it has been classified as a Variant of Uncertain Significance.